The following is an entry in ClinVar:

NM_006397.3(RNASEH2A):c.889A>G (p.Thr297Ala)

Gene: RNASEH2A (ribonuclease H2 subunit A; plus strand). Cytogenetic location: 19p13.13.
Variant type: single nucleotide variant.
Coding change: c.889A>G on transcript NM_006397.3 (MANE Select); coding-DNA position 889, A replaced by G.
Protein change: p.Thr297Ala; replaces threonine 297 with alanine.
Molecular consequence: missense variant.
Genome position (GRCh38, 1-based): chr19:12,813,455, A>G. VCF-style: chr19-12813455-A-G. GRCh37 (hg19) VCF-style: chr19-12924269-A-G.
Other names: short protein forms T297A.
Identifiers: ClinVar variation 1394164 (VCV001394164.6), dbSNP rs775006544, ClinGen allele CA404270120.

ClinVar aggregate classification (germline): Uncertain significance (1 of 4 stars; one submission).

Conditions:
Aicardi-Goutieres syndrome 4. Identifiers: Orphanet 51, MedGen C1835912, MONDO:0012472, OMIM 610333.

Submission:

Labcorp Genetics (formerly Invitae), Labcorp
Classification: Uncertain significance for Aicardi-Goutieres syndrome 4. Last evaluated: 2024-05-13. Review status: criteria provided, single submitter. Criteria: Invitae Variant Classification Sherloc (09022015). Collection method: clinical testing. Allele origin: germline.
Comment: This sequence change replaces threonine, which is neutral and polar, with alanine, which is neutral and non-polar, at codon 297 of the RNASEH2A protein (p.Thr297Ala). This variant is not present in population databases (gnomAD no frequency). This variant has not been reported in the literature in individuals affected with RNASEH2A-related conditions. ClinVar contains an entry for this variant (Variation ID: 1394164). An algorithm developed to predict the effect of missense changes on protein structure and function (PolyPhen-2) suggests that this variant is likely to be tolerated. In summary, the available evidence is currently insufficient to determine the role of this variant in disease. Therefore, it has been classified as a Variant of Uncertain Significance.